The following is an entry in ClinVar:

ClinVar aggregate classification (germline): Uncertain significance (1 of 4 stars; one submission).

Conditions:
Cardiovascular phenotype. Identifiers: MedGen CN230736.

gnomAD v4.1: 1 of 1,614,184 alleles (0.000062%); highest among the groups gnomAD compares: Non-Finnish European, 0.000085%; no homozygotes.

Submission:

Ambry Genetics
Classification: Uncertain significance for Cardiovascular phenotype. Last evaluated: 2026-03-03. Review status: criteria provided, single submitter. Criteria: Ambry Variant Classification Scheme 2023. Collection method: clinical testing. Allele origin: germline.
Comment: The p.P545R variant (also known as c.1634C>G), located in coding exon 11 of the CBL gene, results from a C to G substitution at nucleotide position 1634. The proline at codon 545 is replaced by arginine, an amino acid with dissimilar properties. This amino acid position is conserved. In addition, the in silico prediction for this alteration is inconclusive. Based on the available evidence, the clinical significance of this variant remains unclear.

NM_005188.4(CBL):c.1634C>G (p.Pro545Arg)

Gene: CBL (Cbl proto-oncogene; plus strand). Cytogenetic location: 11q23.3.
Variant type: single nucleotide variant.
Coding change: c.1634C>G on transcript NM_005188.4 (MANE Select); coding-DNA position 1634, C replaced by G.
Protein change: p.Pro545Arg; replaces proline 545 with arginine.
Molecular consequence: missense variant.
Genome position (GRCh38, 1-based): chr11:119,285,259, C>G. VCF-style: chr11-119285259-C-G. GRCh37 (hg19) VCF-style: chr11-119155969-C-G.
Other names: short protein forms P545R.
Identifiers: ClinVar variation 4827365 (VCV004827365.1).
Genomic context (GRCh38, chr11:119,285,259, plus strand): 5'-GCTCCCTTCATAAAGACAAACCATTGCCAGTACCTCCCACACTTCGAGATCTTCCACCAC[C>G]ACCGCCTCCAGACCGGCCATATTCTGTTGGAGCAGAATCCCGACCTCAAAGACGCCCCTT-3'
Protein context (NP_005179.2, residues 535-555): VPPTLRDLPP[Pro545Arg]PPPDRPYSVG